The following is an entry in ClinVar:

NM_002637.4(PHKA1):c.2938G>A (p.Val980Ile)

Gene: PHKA1 (phosphorylase kinase regulatory subunit alpha 1; minus strand). Cytogenetic location: Xq13.1.
Variant type: single nucleotide variant.
Coding change: c.2938G>A on transcript NM_002637.4 (MANE Select); coding-DNA position 2938, G replaced by A.
Protein change: p.Val980Ile; replaces valine 980 with isoleucine.
Molecular consequence: missense variant.
Genome position (GRCh38, 1-based): chrX:72,602,253, C>T on the plus strand (G>A on the coding strand, the complement: PHKA1 is on the minus strand). VCF-style: chrX-72602253-C-T. GRCh37 (hg19) VCF-style: chrX-71822103-C-T.
Other names: c.2938G>A (NM_002637.3); c.2938G>A, p.Val980Ile (NM_001122670.2); c.2761G>A, p.Val921Ile (NM_001172436.2); short protein forms V921I, V980I.
Identifiers: ClinVar variation 2177856 (VCV002177856.5), dbSNP rs142501612, ClinGen allele CA10450585.

ClinVar aggregate classification (germline): Conflicting classifications of pathogenicity. Review status: criteria provided, conflicting classifications (1 of 4 stars). 2 submissions from 2 submitters: Uncertain significance (1); Likely benign (1). Last evaluated 2023-12-22.

Conditions:
Inborn genetic diseases. Identifiers: MedGen C0950123, MeSH D030342.
Glycogen storage disease IXd (GSD9D). Also called: GSD IXd; Muscle Phosphorylase Kinase Deficiency. Identifiers: Orphanet 715, MedGen C1845151, MONDO:0010362, OMIM 300559.

Allele frequency attached by ClinVar (database versions not stated): gnomAD exomes 0.00001; gnomAD 0.00002; TOPMed 0.00003; ExAC 0.00004; ESP Exome Variant Server 0.00009; 1000 Genomes Project 30x 0.00021; 1000 Genomes Project 0.00026.
gnomAD v4.1: 15 of 1,179,147 alleles (0.0013%); highest among the groups gnomAD compares: African/African-American, 0.019%; no homozygotes.

Submissions (2):

Ambry Genetics
Classification: Likely benign for Inborn genetic diseases. Last evaluated: 2023-12-22. Review status: criteria provided, single submitter. Criteria: Ambry Variant Classification Scheme 2023. Collection method: clinical testing. Allele origin: germline.

Labcorp Genetics (formerly Invitae), Labcorp
Classification: Uncertain significance for Glycogen storage disease IXd. Last evaluated: 2022-06-14. Review status: criteria provided, single submitter. Criteria: Invitae Variant Classification Sherloc (09022015). Collection method: clinical testing. Allele origin: germline.
Comment: Algorithms developed to predict the effect of missense changes on protein structure and function output the following: SIFT: "Tolerated"; PolyPhen-2: "Benign"; Align-GVGD: "Class C0". The isoleucine amino acid residue is found in multiple mammalian species, which suggests that this missense change does not adversely affect protein function. In summary, the available evidence is currently insufficient to determine the role of this variant in disease. Therefore, it has been classified as a Variant of Uncertain Significance. This variant has not been reported in the literature in individuals affected with PHKA1-related conditions. This variant is present in population databases (rs142501612, gnomAD 0.03%). This sequence change replaces valine, which is neutral and non-polar, with isoleucine, which is neutral and non-polar, at codon 980 of the PHKA1 protein (p.Val980Ile).